The following is an entry in ClinVar:

ClinVar aggregate classification (germline): Uncertain significance (1 of 4 stars; one submission).

gnomAD v4.1: 1 of 1,614,130 alleles (0.000062%); highest among the groups gnomAD compares: Non-Finnish European, 0.000085%; no homozygotes.

Submission:

GeneDx
Classification: Uncertain significance. Last evaluated: 2024-10-20. Review status: criteria provided, single submitter. Criteria: GeneDx Variant Classification Process June 2021. Collection method: clinical testing. Allele origin: germline. Affected: yes.
Comment: Not observed at significant frequency in large population cohorts (gnomAD); In silico analysis supports a deleterious effect on splicing; Has not been previously published as pathogenic or benign to our knowledge

NM_001020658.2(PUM1):c.1941C>T (p.Gly647=)

Gene: PUM1 (pumilio RNA binding family member 1; minus strand). Cytogenetic location: 1p35.2.
Variant type: single nucleotide variant.
Coding change: c.1941C>T on transcript NM_001020658.2 (MANE Select); coding-DNA position 1941, C replaced by T.
Protein change: p.Gly647=; no amino-acid change (glycine 647 retained).
Molecular consequence: synonymous variant.
Genome position (GRCh38, 1-based): chr1:30,966,127, G>A on the plus strand (C>T on the coding strand, the complement: PUM1 is on the minus strand). VCF-style: chr1-30966127-G-A. GRCh37 (hg19) VCF-style: chr1-31438974-G-A.
Other names: c.1941C>T, p.Gly647= (NM_014676.3).
Identifiers: ClinVar variation 3897258 (VCV003897258.1).